The following is an entry in ClinVar:

NM_001102564.3(IFT43):c.22G>T (p.Asp8Tyr)

Gene: IFT43 (intraflagellar transport 43; plus strand). Cytogenetic location: 14q24.3.
Variant type: single nucleotide variant.
Coding change: c.22G>T on transcript NM_001102564.3 (MANE Select); coding-DNA position 22, G replaced by T.
Protein change: p.Asp8Tyr; replaces aspartic acid 8 with tyrosine.
Molecular consequence: missense variant. On other transcripts: non-coding transcript variant (2).
Genome position (GRCh38, 1-based): chr14:75,985,808, G>T. VCF-style: chr14-75985808-G-T. GRCh37 (hg19) VCF-style: chr14-76452151-G-T.
Other names: c.22G>T, p.Asp8Tyr (NM_001255995.3, NM_052873.3); short protein forms D8Y.
Identifiers: ClinVar variation 2132706 (VCV002132706.4), dbSNP rs1225840489, ClinGen allele CA390472829.
Genomic context (GRCh38, chr14:75,985,808, plus strand): 5'-CAGTCGGTTTCCAGGAAGTGACGTCAGGCGGCCGCGGAGATGGAGGATTTGCTCGACTTG[G>T]ACGAGGAGCTTCGCTACAGCTTGGCTACCTCCGTGAGGACCAATTCGGGGGCCTTGGGGG-3'
Protein context (NP_001096034.1, residues 1-18): MEDLLDL[Asp8Tyr]EELRYSLATS

ClinVar aggregate classification (germline): Uncertain significance (1 of 4 stars; one submission).

Submission:

Labcorp Genetics (formerly Invitae), Labcorp
Classification: Uncertain significance. Last evaluated: 2025-04-17. Review status: criteria provided, single submitter. Criteria: Invitae Variant Classification Sherloc (09022015). Collection method: clinical testing. Allele origin: germline.
Comment: This sequence change replaces aspartic acid, which is acidic and polar, with tyrosine, which is neutral and polar, at codon 8 of the IFT43 protein (p.Asp8Tyr). This variant is not present in population databases (gnomAD no frequency). This variant has not been reported in the literature in individuals affected with IFT43-related conditions. ClinVar contains an entry for this variant (Variation ID: 2132706). Experimental studies and prediction algorithms are not available or were not evaluated, and the functional significance of this variant is currently unknown. In summary, the available evidence is currently insufficient to determine the role of this variant in disease. Therefore, it has been classified as a Variant of Uncertain Significance.